The following is an entry in ClinVar:

ClinVar aggregate classification (germline): Benign (0 of 4 stars; one submission).

Conditions:
GXYLT1-related disorder. Also called: GXYLT1-related condition.

Allele frequency attached by ClinVar (database versions not stated): TOPMed 0.31877; ESP Exome Variant Server 0.33061; gnomAD 0.33923; 1000 Genomes Project 30x 0.34322; 1000 Genomes Project 0.35204; gnomAD exomes 0.37495; ExAC 0.38072.
gnomAD v4.1: 570,842 of 1,537,008 alleles (37%); highest among the groups gnomAD compares: South Asian, 50%; 108,986 homozygotes.

Submission:

PreventionGenetics, part of Exact Sciences
Classification: Benign for GXYLT1-related condition. Last evaluated: 2019-10-30. Review status: no assertion criteria provided. Collection method: clinical testing. Allele origin: germline.
Comment: This variant is classified as benign based on ACMG/AMP sequence variant interpretation guidelines (Richards et al. 2015 PMID: 25741868, with internal and published modifications).

NM_173601.2(GXYLT1):c.513A>G (p.Thr171=)

Gene: GXYLT1 (glucoside xylosyltransferase 1; minus strand). Cytogenetic location: 12q12.
Variant type: single nucleotide variant.
Coding change: c.513A>G on transcript NM_173601.2 (MANE Select); coding-DNA position 513, A replaced by G.
Protein change: p.Thr171=; no amino-acid change (threonine 171 retained).
Molecular consequence: synonymous variant.
Genome position (GRCh38, 1-based): chr12:42,109,665, T>C on the plus strand (A>G on the coding strand, the complement: GXYLT1 is on the minus strand). VCF-style: chr12-42109665-T-C. GRCh37 (hg19) VCF-style: chr12-42503467-T-C.
Other names: c.420A>G, p.Thr140= (NM_001099650.2).
Identifiers: ClinVar variation 3059349 (VCV003059349.2), dbSNP rs7312933, ClinGen allele CA6518350.
Genomic context (GRCh38, chr12:42,109,665, plus strand): 5'-TTTTTTCCACTCTGCTGCATTCTCACTTGGAAAGGTTATGGGGTATAACGTATAATTAAA[T>C]GTTTGTAGAAATGACCAGTTGTCAAGCTAAAACAATTTAAAAAAAAACTGTTTAGTTTCA-3'
Protein context (NP_775872.1, residues 161-181): GRLDNWSFLQ[Thr171=]FNYTLYPITF